The following is an entry in ClinVar:

ClinVar aggregate classification (germline): Likely pathogenic (1 of 4 stars; one submission).

Submission:

Labcorp Genetics (formerly Invitae), Labcorp
Classification: Likely pathogenic. Last evaluated: 2022-08-16. Review status: criteria provided, single submitter. Criteria: Invitae Variant Classification Sherloc (09022015). Collection method: clinical testing. Allele origin: unknown.
Comment: In summary, the currently available evidence indicates that the variant is pathogenic, but additional data are needed to prove that conclusively. Therefore, this variant has been classified as Likely Pathogenic. ClinVar contains an entry for this variant (Variation ID: 940570). This variant has not been reported in the literature in individuals affected with CNGB1-related conditions. This variant results in the deletion of part of exon 13 (c.874+2168_970del) of the CNGB1 gene. It is expected to disrupt RNA splicing. Variants that disrupt the donor or acceptor splice site typically lead to a loss of protein function (PMID: 16199547), and loss-of-function variants in CNGB1 are known to be pathogenic (PMID: 15557452, 24043777).

Literature cited by the submitters: PubMed 16199547; PubMed 15557452; PubMed 24043777.

NC_000016.9:g.(?_57984349)_(57989077_?)del

Gene: CNGB1 (cyclic nucleotide gated channel subunit beta 1; minus strand). Cytogenetic location: 16q21.
Variant type: Deletion.
Identifiers: ClinVar variation 3243626 (VCV003243626.1).